The following is an entry in ClinVar:

ClinVar aggregate classification (germline): Pathogenic (1 of 4 stars; one submission).

Submission:

Labcorp Genetics (formerly Invitae), Labcorp
Classification: Pathogenic. Last evaluated: 2023-09-25. Review status: criteria provided, single submitter. Criteria: Invitae Variant Classification Sherloc (09022015). Collection method: clinical testing. Allele origin: germline.
Comment: This sequence change creates a premature translational stop signal (p.Arg4Glyfs*50) in the GPR179 gene. It is expected to result in an absent or disrupted protein product. Loss-of-function variants in GPR179 are known to be pathogenic (PMID: 22325361, 22325362). This variant is not present in population databases (gnomAD no frequency). This variant has not been reported in the literature in individuals affected with GPR179-related conditions. ClinVar contains an entry for this variant (Variation ID: 2087291). For these reasons, this variant has been classified as Pathogenic.

Literature cited by the submitters: PubMed 22325361; PubMed 22325362.

NM_001004334.4(GPR179):c.9del (p.Arg4fs)

Gene: GPR179 (G protein-coupled receptor 179; minus strand). Cytogenetic location: 17q12.
Variant type: Deletion.
Coding change: c.9del on transcript NM_001004334.4 (MANE Select); coding-DNA position 9, one base deleted (C; older notation c.9delC).
Protein change: p.Arg4fs; shifts the reading frame from arginine 4.
Molecular consequence: frameshift variant.
Genome position (GRCh38, 1-based): chr17:38,343,781, G deleted on the plus strand (C on the coding strand, the reverse complement: GPR179 is on the minus strand); the first of 2 consecutive G bases (chr17:38,343,781-38,343,782); deleting either gives the same sequence. VCF-style (leftmost placement, unchanged base first): chr17-38343780-TG-T. GRCh37 (hg19) VCF-style: chr17-36499663-TG-T.
Other names: short protein forms R4fs.
Identifiers: ClinVar variation 2087291 (VCV002087291.4), dbSNP rs2512176863, ClinGen allele CA2580093636.